The following is an entry in ClinVar:

NM_001103.4(ACTN2):c.1782C>G (p.Ser594Arg)

Gene: ACTN2 (actinin alpha 2; plus strand). Cytogenetic location: 1q43.
Variant type: single nucleotide variant.
Coding change: c.1782C>G on transcript NM_001103.4 (MANE Select); coding-DNA position 1782, C replaced by G.
Protein change: p.Ser594Arg; replaces serine 594 with arginine.
Molecular consequence: missense variant.
Genome position (GRCh38, 1-based): chr1:236,751,595, C>G. VCF-style: chr1-236751595-C-G. GRCh37 (hg19) VCF-style: chr1-236914895-C-G.
Other names: c.1782C>G, p.Ser594Arg (NM_001278343.2); c.1158C>G, p.Ser386Arg (NM_001278344.2); short protein forms S386R, S594R.
Identifiers: ClinVar variation 1467290 (VCV001467290.6), dbSNP rs2102939707, ClinGen allele CA345386158.
Genomic context (GRCh38, chr1:236,751,595, plus strand): 5'-CATCATGGCCATCCAGAACGAGGTGGAGAAGGTGATTCAGAGCTACAACATCAGAATCAG[C>G]TCAAGCAACCCGTACAGCACTGTCACCATGGATGAGCTCCGGACCAAGTGGGACAAGGTG-3'
Protein context (NP_001094.1, residues 584-604): KVIQSYNIRI[Ser594Arg]SSNPYSTVTM

ClinVar aggregate classification (germline): Uncertain significance (1 of 4 stars; one submission).

Conditions:
Dilated cardiomyopathy 1AA (CMD1AA). Also called: CARDIOMYOPATHY, DILATED, 1AA, WITH OR WITHOUT LEFT VENTRICULAR NONCOMPACTION; CARDIOMYOPATHY, FAMILIAL HYPERTROPHIC, 23, WITH OR WITHOUT LEFT VENTRICULAR NONCOMPACTION; Cardiomyopathy, dilated, 1AA, with or without LVNC. Identifiers: Orphanet 154, MedGen C2677338, MONDO:0012808, OMIM 612158.
Primary familial hypertrophic cardiomyopathy (HCM). Identifiers: Orphanet 99739, MedGen C0949658, MeSH D024741, MONDO:0024573. Inheritance: Various modes of inheritance.

Submission:

Labcorp Genetics (formerly Invitae), Labcorp
Classification: Uncertain significance for Primary familial hypertrophic cardiomyopathy; Dilated cardiomyopathy 1AA. Last evaluated: 2021-08-06. Review status: criteria provided, single submitter. Criteria: Invitae Variant Classification Sherloc (09022015). Collection method: clinical testing. Allele origin: germline.
Comment: Algorithms developed to predict the effect of missense changes on protein structure and function are either unavailable or do not agree on the potential impact of this missense change (SIFT: "Deleterious"; PolyPhen-2: "Benign"; Align-GVGD: "Class C65"). This variant has not been reported in the literature in individuals affected with ACTN2-related conditions. Algorithms developed to predict the effect of sequence changes on RNA splicing suggest that this variant may create or strengthen a splice site. In summary, the available evidence is currently insufficient to determine the role of this variant in disease. Therefore, it has been classified as a Variant of Uncertain Significance. This variant is not present in population databases (ExAC no frequency). This sequence change replaces serine with arginine at codon 594 of the ACTN2 protein (p.Ser594Arg). The serine residue is highly conserved and there is a moderate physicochemical difference between serine and arginine.